The following is an entry in ClinVar:

NM_003052.5(SLC34A1):c.662C>T (p.Thr221Met)

Gene: SLC34A1 (solute carrier family 34 member 1; plus strand). Cytogenetic location: 5q35.3.
Variant type: single nucleotide variant.
Coding change: c.662C>T on transcript NM_003052.5 (MANE Select); coding-DNA position 662, C replaced by T.
Protein change: p.Thr221Met; replaces threonine 221 with methionine.
Molecular consequence: missense variant.
Genome position (GRCh38, 1-based): chr5:177,388,011, C>T. VCF-style: chr5-177388011-C-T. GRCh37 (hg19) VCF-style: chr5-176815012-C-T.
Other names: c.662C>T, p.Thr221Met (NM_001167579.2); short protein forms T221M.
Identifiers: ClinVar variation 1900737 (VCV001900737.5), dbSNP rs747672834, ClinGen allele CA3580501.

ClinVar aggregate classification (germline): Uncertain significance (1 of 4 stars; one submission).

Allele frequency attached by ClinVar (database versions not stated): TOPMed below 0.00001; ExAC 0.00001; gnomAD 0.00001.

Submission:

Labcorp Genetics (formerly Invitae), Labcorp
Classification: Uncertain significance. Last evaluated: 2023-08-04. Review status: criteria provided, single submitter. Criteria: Invitae Variant Classification Sherloc (09022015). Collection method: clinical testing. Allele origin: germline.
Comment: This variant has not been reported in the literature in individuals affected with SLC34A1-related conditions. This variant is present in population databases (rs747672834, gnomAD 0.004%). This sequence change replaces threonine, which is neutral and polar, with methionine, which is neutral and non-polar, at codon 221 of the SLC34A1 protein (p.Thr221Met). ClinVar contains an entry for this variant (Variation ID: 1900737). In summary, the available evidence is currently insufficient to determine the role of this variant in disease. Therefore, it has been classified as a Variant of Uncertain Significance. Advanced modeling of protein sequence and biophysical properties (such as structural, functional, and spatial information, amino acid conservation, physicochemical variation, residue mobility, and thermodynamic stability) performed at Invitae indicates that this missense variant is not expected to disrupt SLC34A1 protein function.